The following is an entry in ClinVar:

NM_001276270.2(MBD4):c.1079C>T (p.Thr360Ile)

Gene: MBD4 (methyl-CpG binding domain 4, DNA glycosylase; minus strand). Cytogenetic location: 3q21.3.
Variant type: single nucleotide variant.
Coding change: c.1079C>T on transcript NM_001276270.2 (MANE Select); coding-DNA position 1079, C replaced by T.
Protein change: p.Thr360Ile; replaces threonine 360 with isoleucine.
Molecular consequence: missense variant. On other transcripts: intron variant (1).
Genome position (GRCh38, 1-based): chr3:129,436,565, G>A on the plus strand (C>T on the coding strand, the complement: MBD4 is on the minus strand). VCF-style: chr3-129436565-G-A. GRCh37 (hg19) VCF-style: chr3-129155408-G-A.
Other names: c.1079C>T, p.Thr360Ile (NM_001276271.2, NM_001276272.2, NM_003925.3); c.247+1243C>T (NM_001276273.2); short protein forms T360I.
Identifiers: ClinVar variation 3669873 (VCV003669873.2).

ClinVar aggregate classification (germline): Uncertain significance (1 of 4 stars; one submission).

Submission:

Labcorp Genetics (formerly Invitae), Labcorp
Classification: Uncertain significance. Last evaluated: 2025-06-24. Review status: criteria provided, single submitter. Criteria: Invitae Variant Classification Sherloc (09022015). Collection method: clinical testing. Allele origin: germline.
Comment: This sequence change replaces threonine, which is neutral and polar, with isoleucine, which is neutral and non-polar, at codon 360 of the MBD4 protein (p.Thr360Ile). This variant is not present in population databases (gnomAD no frequency). This variant has not been reported in the literature in individuals affected with MBD4-related conditions. ClinVar contains an entry for this variant (Variation ID: 3669873). An algorithm developed to predict the effect of missense changes on protein structure and function (PolyPhen-2) suggests that this variant is likely to be disruptive. In summary, the available evidence is currently insufficient to determine the role of this variant in disease. Therefore, it has been classified as a Variant of Uncertain Significance.